The following is an entry in ClinVar:

NM_001136239.4(PRDM6):c.132G>C (p.Leu44=)

Genes: PRDM6 (PR/SET domain 6; plus strand), PRDM6-AS1 (PRDM6 antisense RNA 1; minus strand). Cytogenetic location: 5q23.2.
Variant type: single nucleotide variant.
Coding change: c.132G>C on transcript NM_001136239.4 (MANE Select); coding-DNA position 132, G replaced by C.
Protein change: p.Leu44=; no amino-acid change (leucine 44 retained).
Molecular consequence: synonymous variant. On other transcripts: non-coding transcript variant (1).
Genome position (GRCh38, 1-based): chr5:123,090,146, G>C. VCF-style: chr5-123090146-G-C. GRCh37 (hg19) VCF-style: chr5-122425841-G-C.
Identifiers: ClinVar variation 3050611 (VCV003050611.2), dbSNP rs576568262, ClinGen allele CA3386292.
Genomic context (GRCh38, chr5:123,090,146, plus strand): 5'-GCAACTCTTCCCTCACGGAGGCGCAGGCCCGCTCAAGGGCAGCGGCGCCGCGGGTCTCCT[G>C]AGCGCGCCGCAGCCTCTTCAGCCGCCGCCGCCGCCCCCGCCCCCGGAGCGCGCTGAGCCT-3'
Protein context (NP_001129711.1, residues 34-54): PLKGSGAAGL[Leu44=]SAPQPLQPPP

ClinVar aggregate classification (germline): Benign (0 of 4 stars; one submission).

Conditions:
PRDM6-related disorder. Also called: PRDM6-related condition.

Allele frequency attached by ClinVar (database versions not stated): ExAC 0.00017; 1000 Genomes Project 0.00080; 1000 Genomes Project 30x 0.00109; TOPMed 0.00156.
gnomAD v4.1: 411 of 1,530,668 alleles (0.027%); highest among the groups gnomAD compares: African/African-American, 0.51%; 1 homozygote.

Submission:

PreventionGenetics, part of Exact Sciences
Classification: Benign for PRDM6-related condition. Last evaluated: 2019-07-16. Review status: no assertion criteria provided. Collection method: clinical testing. Allele origin: germline.
Comment: This variant is classified as benign based on ACMG/AMP sequence variant interpretation guidelines (Richards et al. 2015 PMID: 25741868, with internal and published modifications).